The following is an entry in ClinVar:

NM_001012301.4(ARSI):c.916G>A (p.Gly306Ser)

Gene: ARSI (arylsulfatase family member I; minus strand). Cytogenetic location: 5q32.
Variant type: single nucleotide variant.
Coding change: c.916G>A on transcript NM_001012301.4 (MANE Select); coding-DNA position 916, G replaced by A.
Protein change: p.Gly306Ser; replaces glycine 306 with serine.
Molecular consequence: missense variant.
Genome position (GRCh38, 1-based): chr5:150,298,008, C>T on the plus strand (G>A on the coding strand, the complement: ARSI is on the minus strand). VCF-style: chr5-150298008-C-T. GRCh37 (hg19) VCF-style: chr5-149677571-C-T.
Other names: short protein forms G306S.
Identifiers: ClinVar variation 1354611 (VCV001354611.6), dbSNP rs2150320319, ClinGen allele CA361730209.

ClinVar aggregate classification (germline): Uncertain significance (1 of 4 stars; one submission).

Conditions:
Spastic paraplegia. Identifiers: MedGen C0037772, HP:0001258.

Submission:

Labcorp Genetics (formerly Invitae), Labcorp
Classification: Uncertain significance for Spastic paraplegia. Last evaluated: 2024-02-24. Review status: criteria provided, single submitter. Criteria: Invitae Variant Classification Sherloc (09022015). Collection method: clinical testing. Allele origin: germline.
Comment: This sequence change replaces glycine, which is neutral and non-polar, with serine, which is neutral and polar, at codon 306 of the ARSI protein (p.Gly306Ser). This variant is not present in population databases (gnomAD no frequency). This variant has not been reported in the literature in individuals affected with ARSI-related conditions. ClinVar contains an entry for this variant (Variation ID: 1354611). Advanced modeling of protein sequence and biophysical properties (such as structural, functional, and spatial information, amino acid conservation, physicochemical variation, residue mobility, and thermodynamic stability) performed at Invitae indicates that this missense variant is not expected to disrupt ARSI protein function with a negative predictive value of 80%. In summary, the available evidence is currently insufficient to determine the role of this variant in disease. Therefore, it has been classified as a Variant of Uncertain Significance.